The following is an entry in ClinVar:

ClinVar aggregate classification (germline): Uncertain significance (1 of 4 stars; one submission).

Conditions:
Cardiovascular phenotype. Identifiers: MedGen CN230736.

Submissions (2):

Ambry Genetics
Classification: Uncertain significance for Cardiovascular phenotype. Last evaluated: 2023-01-01. Review status: criteria provided, single submitter. Criteria: Ambry Variant Classification Scheme 2023. Collection method: clinical testing. Allele origin: germline.
Comment: The p.A114V variant (also known as c.341C>T), located in coding exon 1 of the KCNE1 gene, results from a C to T substitution at nucleotide position 341. The alanine at codon 114 is replaced by valine, an amino acid with similar properties. This amino acid position is conserved. In addition, this alteration is predicted to be tolerated by in silico analysis. Since supporting evidence is limited at this time, the clinical significance of this alteration remains unclear.

Roden Lab, Vanderbilt University Medical Center
No classification provided (evidence only). Condition: Long QT syndrome 5. Review status: no classification provided. Collection method: in vitro. Allele origin: not applicable. Functional consequence: Effect on ion channel function. Not counted in ClinVar's aggregate classification.
ClinVar note: "not provided" was previously submitted as the classification for the variant. However, the classification appeared to be based only on an observation of functional data so it was converted to no classification on 2025-07-30.

NM_000219.6(KCNE1):c.341C>T (p.Ala114Val)

Gene: KCNE1 (potassium voltage-gated channel subfamily E regulatory subunit 1; minus strand). Cytogenetic location: 21q22.12.
Variant type: single nucleotide variant.
Coding change: c.341C>T on transcript NM_000219.6 (MANE Select); coding-DNA position 341, C replaced by T.
Protein change: p.Ala114Val; replaces alanine 114 with valine.
Molecular consequence: missense variant.
Genome position (GRCh38, 1-based): chr21:34,449,294, G>A on the plus strand (C>T on the coding strand, the complement: KCNE1 is on the minus strand). VCF-style: chr21-34449294-G-A. GRCh37 (hg19) VCF-style: chr21-35821592-G-A.
Other names: c.341C>T, p.Ala114Val (NM_001127668.4, NM_001127669.4, NM_001127670.4 and 4 more transcripts); short protein forms A114V.
Identifiers: ClinVar variation 2453430 (VCV002453430.4), dbSNP rs2516762275, ClinGen allele CA410197982.